The following is an entry in ClinVar:

ClinVar aggregate classification (germline): Uncertain significance (1 of 4 stars; one submission).

Submission:

Labcorp Genetics (formerly Invitae), Labcorp
Classification: Uncertain significance. Last evaluated: 2021-06-16. Review status: criteria provided, single submitter. Criteria: Invitae Variant Classification Sherloc (09022015). Collection method: clinical testing. Allele origin: germline.
Comment: Advanced modeling of protein sequence and biophysical properties (such as structural, functional, and spatial information, amino acid conservation, physicochemical variation, residue mobility, and thermodynamic stability) performed at Invitae indicates that this missense variant is expected to disrupt COQ8A protein function. In summary, the available evidence is currently insufficient to determine the role of this variant in disease. Therefore, it has been classified as a Variant of Uncertain Significance. This variant has not been reported in the literature in individuals with COQ8A-related conditions. This variant is not present in population databases (ExAC no frequency). This sequence change replaces aspartic acid with glutamic acid at codon 507 of the COQ8A protein (p.Asp507Glu). The aspartic acid residue is highly conserved and there is a small physicochemical difference between aspartic acid and glutamic acid.

NM_020247.5(COQ8A):c.1521T>G (p.Asp507Glu)

Gene: COQ8A (coenzyme Q8A; plus strand). Cytogenetic location: 1q42.13.
Variant type: single nucleotide variant.
Coding change: c.1521T>G on transcript NM_020247.5 (MANE Select); coding-DNA position 1521, T replaced by G.
Protein change: p.Asp507Glu; replaces aspartic acid 507 with glutamic acid.
Molecular consequence: missense variant.
Genome position (GRCh38, 1-based): chr1:226,984,890, T>G. VCF-style: chr1-226984890-T-G. GRCh37 (hg19) VCF-style: chr1-227172591-T-G.
Other names: short protein forms D507E.
Identifiers: ClinVar variation 1375812 (VCV001375812.8), dbSNP rs1468482530, ClinGen allele CA345055871.
Genomic context (GRCh38, chr1:226,984,890, plus strand): 5'-CCATGGAGCACCAGGGCCAAACTTCTCCTGGTGTCTCTGTCCCCAGGTGGCTCTTTTGGA[T>G]TTTGGGGCAACGCGGGAATATGACAGATCCTTCACCGACCTCTACATTCAGGTAACTGGA-3'
Protein context (NP_064632.2, residues 497-517): DPQQHKVALL[Asp507Glu]FGATREYDRS